The following is an entry in ClinVar:

ClinVar aggregate classification (germline): Pathogenic (1 of 4 stars; one submission).

Conditions:
Usher syndrome type 1 (USH1). Also called: RETINITIS PIGMENTOSA AND CONGENITAL DEAFNESS. Identifiers: Orphanet 231169, Orphanet 886, MedGen C1568247, MONDO:0010168, OMIM 276900.

Submission:

Myriad Genetics, Inc.
Classification: Pathogenic for Usher syndrome type 1. Last evaluated: 2023-09-27. Review status: criteria provided, single submitter. Criteria: Myriad Autosomal Dominant, Autosomal Recessive and X-Linked Classification Criteria (2023). Collection method: clinical testing. Allele origin: unknown.
Comment: NM_000260.3(MYO7A):c.214dupC(R72Pfs*68) is expected to be pathogenic in the context of MYO7A-related disorders. This variant is predicted to lead to an abnormal or absent protein product due to the creation of a premature termination codon in MYO7A, a gene where loss-of-function variants are known to be pathogenic. Please note: this variant was assessed in the context of healthy population screening.

NM_000260.4(MYO7A):c.214dup (p.Arg72fs)

Gene: MYO7A (myosin VIIA; plus strand). Cytogenetic location: 11q13.5.
Variant type: Duplication.
Coding change: c.214dup on transcript NM_000260.4 (MANE Select); coding-DNA position 214, one base duplicated (C; older notation c.214dupC).
Protein change: p.Arg72fs; shifts the reading frame from arginine 72.
Molecular consequence: frameshift variant.
Genome position (GRCh38, 1-based): chr11:77,147,879, C duplicated; the last of 2 consecutive C bases (chr11:77,147,878-77,147,879); duplicating either gives the same sequence. VCF-style (leftmost placement, unchanged base first): chr11-77147877-T-TC. GRCh37 (hg19) VCF-style: chr11-76858923-T-TC.
Other names: c.214dup, p.Arg72fs (NM_001127180.2); c.181dup, p.Arg61fs (NM_001369365.1); short protein forms R61fs, R72fs.
Identifiers: ClinVar variation 5012317 (VCV005012317.1).